The following is an entry in ClinVar:

NM_021913.5(AXL):c.890G>A (p.Gly297Asp)

Gene: AXL (AXL receptor tyrosine kinase; plus strand). Cytogenetic location: 19q13.2.
Variant type: single nucleotide variant.
Coding change: c.890G>A on transcript NM_021913.5 (MANE Select); coding-DNA position 890, G replaced by A.
Protein change: p.Gly297Asp; replaces glycine 297 with aspartic acid.
Molecular consequence: missense variant.
Genome position (GRCh38, 1-based): chr19:41,238,050, G>A. VCF-style: chr19-41238050-G-A. GRCh37 (hg19) VCF-style: chr19-41743955-G-A.
Other names: c.86G>A, p.Gly29Asp (NM_001278599.2); c.890G>A, p.Gly297Asp (NM_001699.6); short protein forms G29D, G297D.
Identifiers: ClinVar variation 4708817 (VCV004708817.1).

ClinVar aggregate classification (germline): Uncertain significance (1 of 4 stars; one submission).

gnomAD v4.1: 1 of 1,613,838 alleles (0.000062%); highest among the groups gnomAD compares: Admixed American, 0.0017%; no homozygotes.

Submission:

Labcorp Genetics (formerly Invitae), Labcorp
Classification: Uncertain significance. Last evaluated: 2025-05-13. Review status: criteria provided, single submitter. Criteria: Invitae Variant Classification Sherloc (09022015). Collection method: clinical testing. Allele origin: germline.
Comment: This sequence change replaces glycine, which is neutral and non-polar, with aspartic acid, which is acidic and polar, at codon 297 of the AXL protein (p.Gly297Asp). This variant is not present in population databases (gnomAD no frequency). This variant has not been reported in the literature in individuals affected with AXL-related conditions. Invitae Evidence Modeling of protein sequence and biophysical properties (such as structural, functional, and spatial information, amino acid conservation, physicochemical variation, residue mobility, and thermodynamic stability) indicates that this missense variant is not expected to disrupt AXL protein function with a negative predictive value of 80%. In summary, the available evidence is currently insufficient to determine the role of this variant in disease. Therefore, it has been classified as a Variant of Uncertain Significance.